The following is an entry in ClinVar:

ClinVar aggregate classification (germline): Likely pathogenic. Review status: criteria provided, multiple submitters, no conflicts (2 of 4 stars). 2 submissions from 2 submitters: Likely pathogenic (2). Last evaluated 2025-12-26.

Conditions:
PRNP-related disorder. Also called: PRNP-related condition; PRNP-related disorders.
Huntington disease-like 1 (HDL1). Also called: HUNTINGTON-LIKE NEURODEGENERATIVE DISORDER 1; HUNTINGTON-LIKE NEURODEGENERATIVE DISORDER, AUTOSOMAL DOMINANT; PRION DISEASE, EARLY-ONSET, WITH PROMINENT PSYCHIATRIC FEATURES. Identifiers: Orphanet 157941, MedGen C1864112, MONDO:0011299, OMIM 603218.

gnomAD v4.1: 8 of 1,614,010 alleles (0.0005%); highest among the groups gnomAD compares: Admixed American, 0.013%; no homozygotes.

Submissions (2):

Labcorp Genetics (formerly Invitae), Labcorp
Classification: Likely pathogenic for Huntington disease-like 1. Last evaluated: 2025-12-26. Review status: criteria provided, single submitter. Criteria: Invitae Variant Classification Sherloc (09022015). Collection method: clinical testing. Allele origin: germline.
Comment: This sequence change replaces threonine, which is neutral and polar, with arginine, which is basic and polar, at codon 188 of the PRNP protein (p.Thr188Arg). This variant is present in population databases (rs372878791, gnomAD 0.03%). This missense change has been observed in individuals with PRNP-related conditions (PMID: 10987652, 18478114, 21107135, 26791950; internal data). ClinVar contains an entry for this variant (Variation ID: 2138330). Invitae Evidence Modeling of protein sequence and biophysical properties (such as structural, functional, and spatial information, amino acid conservation, physicochemical variation, residue mobility, and thermodynamic stability) indicates that this missense variant is not expected to disrupt PRNP protein function with a negative predictive value of 80%. Experimental studies are conflicting or provide insufficient evidence to determine the effect of this variant on PRNP function (PMID: 11756421). This variant disrupts the p.Thr188 amino acid residue in PRNP. Other variant(s) that disrupt this residue have been determined to be pathogenic (PMID: 18478114, 23261545). This suggests that this residue is clinically significant, and that variants that disrupt this residue are likely to be disease-causing. In summary, the currently available evidence indicates that the variant is pathogenic, but additional data are needed to prove that conclusively. Therefore, this variant has been classified as Likely Pathogenic.

3billion
Classification: Likely pathogenic for PRNP-related disorder. Last evaluated: 2025-06-25. Review status: criteria provided, single submitter. Criteria: ACMG Guidelines, 2015. Collection method: clinical testing. Allele origin: germline. Affected: yes.
Comment: The variant is observed at an extremely low frequency in the gnomAD v4.1.0 dataset (total allele frequency: <0.001%). Predicted Consequence/Location: Missense variant. Missense changes are a common disease-causing mechanism. In silico tool predictions suggest damaging effect of the variant on gene or gene product [REVEL: 0.70 (>=0.6, sensitivity 0.68 and specificity 0.92); 3Cnet: 0.90 (> 0.75, sensitivity 0.96 and precision 0.92)]. The same nucleotide change resulting in the same amino acid change has been previously reported to be associated with PRNP-related disorder (ClinVar ID: VCV002138330 /PMID: 10987652).Different missense changes at the same codon (p.Thr188Ala, p.Thr188Lys) have been reported to be associated with PRNP-related disorder (PMID: 10631141, 10891990). Therefore, this variant is classified as Likely pathogenic according to the recommendation of ACMG/AMP guideline.

Literature cited by the submitters: PubMed 10987652 (cited by Labcorp Genetics (formerly Invitae), Labcorp and 3billion); PubMed 18478114 (cited by Labcorp Genetics (formerly Invitae), Labcorp); PubMed 21107135 (cited by Labcorp Genetics (formerly Invitae), Labcorp); PubMed 26791950 (cited by Labcorp Genetics (formerly Invitae), Labcorp); PubMed 11756421 (cited by Labcorp Genetics (formerly Invitae), Labcorp); PubMed 23261545 (cited by Labcorp Genetics (formerly Invitae), Labcorp); PubMed 10631141 (cited by 3billion).

NM_000311.5(PRNP):c.563C>G (p.Thr188Arg)

Gene: PRNP (prion protein (Kanno blood group); plus strand). Cytogenetic location: 20p13.
Variant type: single nucleotide variant.
Coding change: c.563C>G on transcript NM_000311.5 (MANE Select); coding-DNA position 563, C replaced by G.
Protein change: p.Thr188Arg; replaces threonine 188 with arginine.
Molecular consequence: missense variant. On other transcripts: 3 prime UTR variant (1).
Genome position (GRCh38, 1-based): chr20:4,699,783, C>G. VCF-style: chr20-4699783-C-G. GRCh37 (hg19) VCF-style: chr20-4680429-C-G.
Other names: c.563C>G, p.Thr188Arg (NM_001080121.3, NM_001080122.3, NM_001080123.3 and 1 more transcripts); c.*252C>G (NM_001271561.3); short protein forms T188R.
Identifiers: ClinVar variation 2138330 (VCV002138330.5), dbSNP rs372878791, ClinGen allele CA9752097.